The following is an entry in ClinVar:

NM_014244.5(ADAMTS2):c.895A>G (p.Asn299Asp)

Gene: ADAMTS2 (ADAM metallopeptidase with thrombospondin type 1 motif 2; minus strand). Cytogenetic location: 5q35.3.
Variant type: single nucleotide variant.
Coding change: c.895A>G on transcript NM_014244.5 (MANE Select); coding-DNA position 895, A replaced by G.
Protein change: p.Asn299Asp; replaces asparagine 299 with aspartic acid.
Molecular consequence: missense variant.
Genome position (GRCh38, 1-based): chr5:179,181,152, T>C on the plus strand (A>G on the coding strand, the complement: ADAMTS2 is on the minus strand). VCF-style: chr5-179181152-T-C. GRCh37 (hg19) VCF-style: chr5-178608153-T-C.
Other names: c.895A>G, p.Asn299Asp (NM_021599.4); short protein forms N299D.
Identifiers: ClinVar variation 3777665 (VCV003777665.1).

ClinVar aggregate classification (germline): Uncertain significance (1 of 4 stars; one submission).

Submission:

GeneDx
Classification: Uncertain significance. Last evaluated: 2024-10-11. Review status: criteria provided, single submitter. Criteria: GeneDx Variant Classification Process June 2021. Collection method: clinical testing. Allele origin: germline. Affected: yes.
Comment: Not observed at significant frequency in large population cohorts (gnomAD); In silico analysis indicates that this missense variant does not alter protein structure/function; Has not been previously published as pathogenic or benign to our knowledge